The following is an entry in ClinVar:

ClinVar aggregate classification (germline): Uncertain significance (1 of 4 stars; one submission).

gnomAD v4.1: 3 of 1,614,216 alleles (0.00019%); highest among the groups gnomAD compares: Admixed American, 0.0017%; no homozygotes.

Submission:

GeneDx
Classification: Uncertain significance. Last evaluated: 2025-10-09. Review status: criteria provided, single submitter. Criteria: GeneDx Variant Classification Process June 2021. Collection method: clinical testing. Allele origin: germline.
Comment: Not observed at significant frequency in large population cohorts (gnomAD); In silico analysis supports that this missense variant has a deleterious effect on protein structure/function; Has not been previously published as pathogenic or benign to our knowledge

NM_000100.4(CSTB):c.223C>T (p.His75Tyr)

Gene: CSTB (cystatin B; minus strand). Cytogenetic location: 21q22.3.
Variant type: single nucleotide variant.
Coding change: c.223C>T on transcript NM_000100.4 (MANE Select); coding-DNA position 223, C replaced by T.
Protein change: p.His75Tyr; replaces histidine 75 with tyrosine.
Molecular consequence: missense variant.
Genome position (GRCh38, 1-based): chr21:43,774,276, G>A on the plus strand (C>T on the coding strand, the complement: CSTB is on the minus strand). VCF-style: chr21-43774276-G-A. GRCh37 (hg19) VCF-style: chr21-45194157-G-A.
Other names: short protein forms H75Y.
Identifiers: ClinVar variation 4077324 (VCV004077324.2).